The following is an entry in ClinVar:

ClinVar aggregate classification (germline): Benign/Likely benign. Review status: criteria provided, multiple submitters, no conflicts (2 of 4 stars). 5 submissions from 5 submitters: Benign (1); Likely benign (4). Last evaluated 2024-12-30.

Conditions:
Lynch syndrome 5 (LYNCH5). Also called: Colorectal cancer, hereditary nonpolyposis, type 5; Hereditary non-polyposis colorectal cancer, type 5. Identifiers: Orphanet 144, MedGen C1833477, MONDO:0013710, OMIM 614350. Disease mechanism: loss of function.
Lynch syndrome. Identifiers: Orphanet 144, MedGen C4552100, MONDO:0005835. Disease mechanism: loss of function.
Hereditary nonpolyposis colorectal neoplasms. Identifiers: MedGen C0009405, MeSH D003123.
Hereditary cancer-predisposing syndrome. Also called: Hereditary Cancer Syndrome; Neoplastic Syndromes, Hereditary; Tumor predisposition; Hereditary neoplastic syndrome. Identifiers: Orphanet 140162, MedGen C0027672, MeSH D009386, MONDO:0015356.

Allele frequency attached by ClinVar (database versions not stated): gnomAD 0.00001; 1000 Genomes Project 0.00020; 1000 Genomes Project 30x 0.00031.
gnomAD v4.1: 1 of 1,614,212 alleles (0.000062%); highest among the groups gnomAD compares: African/African-American, 0.0013%; no homozygotes.

Submissions (5):

Myriad Genetics, Inc.
Classification: Benign for Lynch syndrome 5. Last evaluated: 2024-12-30. Review status: criteria provided, single submitter. Criteria: Myriad Autosomal Dominant, Autosomal Recessive and X-Linked Classification Criteria (2023). Collection method: clinical testing. Allele origin: unknown.
Comment: This variant is considered benign. This variant is a silent/synonymous amino acid change and it is not expected to impact splicing.

All of Us Research Program, National Institutes of Health
Classification: Likely benign for Lynch syndrome. Last evaluated: 2024-07-20. Review status: criteria provided, single submitter. Criteria: ACMG Guidelines, 2015. Collection method: clinical testing. Allele origin: germline. Inheritance: Autosomal dominant inheritance. Observed: 1 variant allele, 1 heterozygote.
Comment: This study involves interpretation of variants in research participants for the purpose of population health screening. Participant phenotype was not available at the time of variant classification. Additional details can be found in publication PMID: 35346344, PMCID: PMC8962531

Labcorp Genetics (formerly Invitae), Labcorp
Classification: Likely benign for Hereditary nonpolyposis colorectal neoplasms. Last evaluated: 2024-04-07. Review status: criteria provided, single submitter. Criteria: Invitae Variant Classification Sherloc (09022015). Collection method: clinical testing. Allele origin: germline.

Color Diagnostics, LLC DBA Color Health
Classification: Likely benign for Hereditary cancer-predisposing syndrome. Last evaluated: 2022-11-06. Review status: criteria provided, single submitter. Criteria: ACMG Guidelines, 2015. Collection method: clinical testing. Allele origin: germline.

Ambry Genetics
Classification: Likely benign for Hereditary cancer-predisposing syndrome. Last evaluated: 2015-10-12. Review status: criteria provided, single submitter. Criteria: Ambry Variant Classification Scheme 2023. Collection method: clinical testing. Allele origin: germline.

NM_000179.3(MSH6):c.2268A>G (p.Gly756=)

Gene: MSH6 (mutS homolog 6; plus strand). Cytogenetic location: 2p16.3.
Variant type: single nucleotide variant.
Coding change: c.2268A>G on transcript NM_000179.3 (MANE Select); coding-DNA position 2268, A replaced by G.
Protein change: p.Gly756=; no amino-acid change (glycine 756 retained).
Molecular consequence: synonymous variant.
Genome position (GRCh38, 1-based): chr2:47,800,251, A>G. VCF-style: chr2-47800251-A-G. GRCh37 (hg19) VCF-style: chr2-48027390-A-G.
Other names: c.1878A>G, p.Gly626= (NM_001281492.2); c.1362A>G, p.Gly454= (NM_001281493.2, NM_001281494.2).
Identifiers: ClinVar variation 479873 (VCV000479873.15), dbSNP rs142246608, ClinGen allele CA068696.